The following is an entry in ClinVar:

ClinVar aggregate classification (germline): Uncertain significance (1 of 4 stars; one submission).

Conditions:
Hereditary cancer-predisposing syndrome. Also called: Hereditary Cancer Syndrome; Hereditary neoplastic syndrome; Neoplastic Syndromes, Hereditary; Tumor predisposition. Identifiers: Orphanet 140162, MedGen C0027672, MeSH D009386, MONDO:0015356.

Submission:

Ambry Genetics
Classification: Uncertain significance for Hereditary cancer-predisposing syndrome. Last evaluated: 2026-07-08. Review status: criteria provided, single submitter. Criteria: Ambry Variant Classification Scheme 2023. Collection method: clinical testing. Allele origin: germline.
Comment: The p.F1348C variant (also known as c.4043T>G), located in coding exon 20 of the MET gene, results from a T to G substitution at nucleotide position 4043. The phenylalanine at codon 1348 is replaced by cysteine, an amino acid with highly dissimilar properties. This amino acid position is highly conserved in available vertebrate species. In addition, this alteration is predicted to be deleterious by in silico analysis. Based on the available evidence, the clinical significance of this variant remains unclear.

NM_000245.4(MET):c.3989T>G (p.Phe1330Cys)

Gene: MET (MET proto-oncogene, receptor tyrosine kinase; plus strand). Cytogenetic location: 7q31.2.
Variant type: single nucleotide variant.
Coding change: c.3989T>G on transcript NM_000245.4 (MANE Select); coding-DNA position 3989, T replaced by G.
Protein change: p.Phe1330Cys; replaces phenylalanine 1330 with cysteine.
Molecular consequence: missense variant.
Genome position (GRCh38, 1-based): chr7:116,795,940, T>G. VCF-style: chr7-116795940-T-G. GRCh37 (hg19) VCF-style: chr7-116435994-T-G.
Other names: c.4043T>G, p.Phe1348Cys (NM_001127500.3); c.2699T>G, p.Phe900Cys (NM_001324402.2); short protein forms F1330C, F1348C, F900C.
Identifiers: ClinVar variation 1737303 (VCV001737303.3), dbSNP rs2117111194, ClinGen allele CA369118164.